The following is an entry in ClinVar:

ClinVar aggregate classification (germline): Conflicting classifications of pathogenicity. Review status: criteria provided, conflicting classifications (1 of 4 stars). 7 submissions from 7 submitters: Uncertain significance (6); Likely benign (1). Last evaluated 2025-10-05.

Conditions:
Hereditary nonpolyposis colorectal neoplasms. Identifiers: MedGen C0009405, MeSH D003123.
Lynch syndrome. Identifiers: Orphanet 144, MedGen C4552100, MONDO:0005835. Disease mechanism: loss of function.
Hereditary cancer-predisposing syndrome. Also called: Hereditary neoplastic syndrome; Neoplastic Syndromes, Hereditary; Tumor predisposition; Hereditary Cancer Syndrome. Identifiers: Orphanet 140162, MedGen C0027672, MeSH D009386, MONDO:0015356.

Allele frequency attached by ClinVar (database versions not stated): gnomAD exomes below 0.00001.
gnomAD v4.1: 2 of 1,614,134 alleles (0.00012%); highest among the groups gnomAD compares: Non-Finnish European, 0.000085%; no homozygotes.

Submissions (7):

Labcorp Genetics (formerly Invitae), Labcorp
Classification: Uncertain significance for Hereditary nonpolyposis colorectal neoplasms. Last evaluated: 2025-10-05. Review status: criteria provided, single submitter. Criteria: Invitae Variant Classification Sherloc (09022015). Collection method: clinical testing. Allele origin: germline.
Comment: This sequence change replaces serine, which is neutral and polar, with isoleucine, which is neutral and non-polar, at codon 587 of the PMS2 protein (p.Ser587Ile). This variant is not present in population databases (gnomAD no frequency). This variant has not been reported in the literature in individuals affected with PMS2-related conditions. ClinVar contains an entry for this variant (Variation ID: 421757). Invitae Evidence Modeling incorporating data from in vitro experimental studies (internal data) indicates that this missense variant is not expected to disrupt PMS2 function with a negative predictive value of 95%. In summary, the available evidence is currently insufficient to determine the role of this variant in disease. Therefore, it has been classified as a Variant of Uncertain Significance.

Ambry Genetics
Classification: Likely benign for Hereditary cancer-predisposing syndrome. Last evaluated: 2024-06-18. Review status: criteria provided, single submitter. Criteria: Ambry Variant Classification Scheme 2023. Collection method: clinical testing. Allele origin: germline.

All of Us Research Program, National Institutes of Health
Classification: Uncertain significance for Lynch syndrome. Last evaluated: 2023-05-16. Review status: criteria provided, single submitter. Criteria: ACMG Guidelines, 2015. Collection method: clinical testing. Allele origin: germline. Inheritance: Autosomal dominant inheritance. Observed: 1 variant allele, 1 heterozygote.
Comment: This missense variant replaces serine with isoleucine at codon 587 of the PMS2 protein. Computational prediction suggests that this variant may not impact protein structure and function (internally defined REVEL score threshold <= 0.5, PMID: 27666373). To our knowledge, functional studies have not been reported for this variant. This variant has not been reported in individuals affected with PMS2-related disorders in the literature. This variant has not been identified in the general population by the Genome Aggregation Database (gnomAD). The available evidence is insufficient to determine the role of this variant in disease conclusively. Therefore, this variant is classified as a Variant of Uncertain Significance.

This study involves interpretation of variants in research participants for the purpose of population health screening. Participant phenotype was not available at the time of variant classification. Additional details can be found in publication PMID: 35346344, PMCID: PMC8962531

Color Diagnostics, LLC DBA Color Health
Classification: Uncertain significance for Hereditary cancer-predisposing syndrome. Last evaluated: 2023-05-05. Review status: criteria provided, single submitter. Criteria: ACMG Guidelines, 2015. Collection method: clinical testing. Allele origin: germline.
Comment: This missense variant replaces serine with isoleucine at codon 587 of the PMS2 protein. Computational prediction suggests that this variant may not impact protein structure and function (internally defined REVEL score threshold <= 0.5, PMID: 27666373). To our knowledge, functional studies have not been reported for this variant. This variant has not been reported in individuals affected with PMS2-related disorders in the literature. This variant has not been identified in the general population by the Genome Aggregation Database (gnomAD). The available evidence is insufficient to determine the role of this variant in disease conclusively. Therefore, this variant is classified as a Variant of Uncertain Significance.

Quest Diagnostics Nichols Institute San Juan Capistrano
Classification: Uncertain significance. Last evaluated: 2019-10-23. Review status: criteria provided, single submitter. Criteria: Quest Diagnostics criteria. Collection method: clinical testing. Allele origin: unknown.

Women's Health and Genetics/Laboratory Corporation of America, LabCorp
Classification: Uncertain significance. Last evaluated: 2017-09-05. Review status: criteria provided, single submitter. Criteria: LabCorp Variant Classification Summary - May 2015. Collection method: clinical testing. Allele origin: germline.
Comment: Variant summary: The PMS2 c.1760G>T (p.Ser587Ile) variant involves the alteration of a non-conserved nucleotide and 3/4 in silico tools predict a benign outcome for this variant (SNPsandGO not captured due to low reliability index). However, these predictions have yet to be functionally assessed. This variant is absent in 121278 control chromosomes. A clinical diagnostic laboratory classified this variant as uncertain significance. The variant of interest has not, to our knowledge, been reported in affected individuals via publications. Because of the absence of clinical information and the lack of functional studies, the variant is classified as a "Variant of Uncertain Significance (VUS)," until additional information becomes available.

GeneDx
Classification: Uncertain significance. Last evaluated: 2016-07-22. Review status: criteria provided, single submitter. Criteria: GeneDx Variant Classification (06012015). Collection method: clinical testing. Allele origin: germline. Affected: yes.
Comment: This variant is denoted PMS2 c.1760G>T at the cDNA level, p.Ser587Ile (S587I) at the protein level, and results in the change of a Serine to an Isoleucine (AGT>ATT). This variant has not, to our knowledge, been published in the literature as pathogenic or benign. PMS2 Ser587Ile was not observed in approximately 6,500 individuals of European and African American ancestry in the NHLBI Exome Sequencing Project, suggesting it is not a common benign variant in these populations. Since Serine and Isoleucine differ in polarity, charge, size or other properties, this is considered a non-conservative amino acid substitution. PMS2 Ser587Ile occurs at a position that is not conserved and is not located in a known functional domain (Guarne 2001, Fukui 2011). In silico analyses are inconsistent regarding the effect this variant may have on protein structure and function. Based on currently available evidence, it is unclear whether PMS2 Ser587Ile is pathogenic or benign. We consider it to be a variant of uncertain significance.

NM_000535.7(PMS2):c.1760G>T (p.Ser587Ile)

Gene: PMS2 (PMS1 homolog 2, mismatch repair system component; minus strand). Cytogenetic location: 7p22.1.
Variant type: single nucleotide variant.
Coding change: c.1760G>T on transcript NM_000535.7 (MANE Select); coding-DNA position 1760, G replaced by T.
Protein change: p.Ser587Ile; replaces serine 587 with isoleucine.
Molecular consequence: missense variant. On other transcripts: non-coding transcript variant (1).
Genome position (GRCh38, 1-based): chr7:5,987,005, C>A on the plus strand (G>T on the coding strand, the complement: PMS2 is on the minus strand). VCF-style: chr7-5987005-C-A. GRCh37 (hg19) VCF-style: chr7-6026636-C-A.
Other names: c.1355G>T, p.Ser452Ile (NM_001322003.2, NM_001322004.2, NM_001322005.2 and 1 more transcripts); c.1604G>T, p.Ser535Ile (NM_001322006.2); c.1442G>T, p.Ser481Ile (NM_001322007.2, NM_001322008.2); c.1199G>T, p.Ser400Ile (NM_001322010.2); c.827G>T, p.Ser276Ile (NM_001322011.2, NM_001322012.2); c.1187G>T, p.Ser396Ile (NM_001322013.2); c.1760G>T, p.Ser587Ile (NM_001322014.2); c.1451G>T, p.Ser484Ile (NM_001322015.2); short protein forms S587I, S400I, S481I, S484I, S452I, S535I, S276I, S396I.
Identifiers: ClinVar variation 421757 (VCV000421757.23), dbSNP rs762100304, ClinGen allele CA16618499.